The following is an entry in ClinVar:

ClinVar aggregate classification (germline): Uncertain significance (1 of 4 stars; one submission).

gnomAD v4.1: 1 of 1,608,028 alleles (0.000062%); highest among the groups gnomAD compares: African/African-American, 0.0013%; no homozygotes.

Submission:

GeneDx
Classification: Uncertain significance. Last evaluated: 2024-06-17. Review status: criteria provided, single submitter. Criteria: GeneDx Variant Classification Process June 2021. Collection method: clinical testing. Allele origin: germline. Affected: yes.
Comment: Has not been previously published as pathogenic or benign to our knowledge; Not observed at significant frequency in large population cohorts (gnomAD); In silico analysis indicates that this missense variant does not alter protein structure/function

NM_080680.3(COL11A2):c.3805G>A (p.Val1269Ile)

Gene: COL11A2 (collagen type XI alpha 2 chain; minus strand). Cytogenetic location: 6p21.32.
Variant type: single nucleotide variant.
Coding change: c.3805G>A on transcript NM_080680.3 (MANE Select); coding-DNA position 3805, G replaced by A.
Protein change: p.Val1269Ile; replaces valine 1269 with isoleucine.
Molecular consequence: missense variant.
Genome position (GRCh38, 1-based): chr6:33,169,002, C>T on the plus strand (G>A on the coding strand, the complement: COL11A2 is on the minus strand). VCF-style: chr6-33169002-C-T. GRCh37 (hg19) VCF-style: chr6-33136779-C-T.
Other names: c.3625G>A, p.Val1209Ile (NM_001424108.1); c.2959G>A, p.Val987Ile (NM_001424109.1); c.2779G>A, p.Val927Ile (NM_001424110.1, NM_001424111.1); c.1759G>A, p.Val587Ile (NM_001424112.1); c.3484G>A, p.Val1162Ile (NM_080679.3); c.3547G>A, p.Val1183Ile (NM_080681.3); short protein forms V1162I, V1183I, V1209I, V1269I, V587I, V927I, V987I.
Identifiers: ClinVar variation 3391715 (VCV003391715.1).
Genomic context (GRCh38, chr6:33,169,002, plus strand): 5'-GAGTAAGACTCACCCGAGGGCCACCTTCTCCAGGGGGGCCAGGGTCACCAGGAAAACCAA[C>T]AGGACCCTGATCCAGATGGAGAATAAGAGTCAGGGTCACAGCTCCCTAAGCCCACCCAGC-3'
Protein context (NP_542411.2, residues 1259-1279): DDGPKGNPGP[Val1269Ile]GFPGDPGPPG